The following is an entry in ClinVar:

ClinVar aggregate classification (germline): Uncertain significance (1 of 4 stars; one submission).

Conditions:
Short-rib thoracic dysplasia 11 with or without polydactyly (SRTD11). Also called: SHORT-RIB THORACIC DYSPLASIA 11 WITHOUT POLYDACTYLY. Identifiers: Orphanet 474, Orphanet 93271, MedGen C3810200, MONDO:0014287, OMIM 615633.

Allele frequency attached by ClinVar (database versions not stated): gnomAD exomes below 0.00001; ExAC 0.00001; TOPMed 0.00001.
gnomAD v4.1: 3 of 1,613,812 alleles (0.00019%); highest among the groups gnomAD compares: East Asian, 0.0022%; no homozygotes.

Submission:

Labcorp Genetics (formerly Invitae), Labcorp
Classification: Uncertain significance for Short-rib thoracic dysplasia 11 with or without polydactyly. Last evaluated: 2022-07-30. Review status: criteria provided, single submitter. Criteria: Invitae Variant Classification Sherloc (09022015). Collection method: clinical testing. Allele origin: germline.
Comment: Algorithms developed to predict the effect of missense changes on protein structure and function are either unavailable or do not agree on the potential impact of this missense change (SIFT: "Deleterious"; PolyPhen-2: "Benign"; Align-GVGD: "Class C0"). This variant has not been reported in the literature in individuals affected with WDR34-related conditions. This variant is present in population databases (rs546389016, gnomAD 0.006%). This sequence change replaces alanine, which is neutral and non-polar, with threonine, which is neutral and polar, at codon 453 of the WDR34 protein (p.Ala453Thr). In summary, the available evidence is currently insufficient to determine the role of this variant in disease. Therefore, it has been classified as a Variant of Uncertain Significance.

NM_052844.4(DYNC2I2):c.1357G>A (p.Ala453Thr)

Gene: DYNC2I2 (dynein 2 intermediate chain 2; minus strand). Cytogenetic location: 9q34.11.
Variant type: single nucleotide variant.
Coding change: c.1357G>A on transcript NM_052844.4 (MANE Select); coding-DNA position 1357, G replaced by A.
Protein change: p.Ala453Thr; replaces alanine 453 with threonine.
Molecular consequence: missense variant.
Genome position (GRCh38, 1-based): chr9:128,634,241, C>T on the plus strand (G>A on the coding strand, the complement: DYNC2I2 is on the minus strand). VCF-style: chr9-128634241-C-T. GRCh37 (hg19) VCF-style: chr9-131396520-C-T.
Other names: short protein forms A453T.
Identifiers: ClinVar variation 2046863 (VCV002046863.3), dbSNP rs546389016, ClinGen allele CA5266251.